The following is an entry in ClinVar:

ClinVar aggregate classification (germline): Benign (1 of 4 stars; one submission).

Allele frequency attached by ClinVar (database versions not stated): gnomAD exomes 0.00398; gnomAD 0.03171 and 0.03416; 1000 Genomes Project 0.03235; 1000 Genomes Project 30x 0.03342; TOPMed 0.03622.
gnomAD v4.1: 7,152 of 698,062 alleles (1%); highest among the groups gnomAD compares: African/African-American, 10%; 335 homozygotes.

Submission:

GeneDx
Classification: Benign. Last evaluated: 2018-06-16. Review status: criteria provided, single submitter. Criteria: GeneDx Variant Classification (06012015). Collection method: clinical testing. Allele origin: germline. Affected: yes.
Comment: This variant is considered likely benign or benign based on one or more of the following criteria: it is a conservative change, it occurs at a poorly conserved position in the protein, it is predicted to be benign by multiple in silico algorithms, and/or has population frequency not consistent with disease.

NM_001134831.2(AHI1):c.2266+120T>C

Gene: AHI1 (Abelson helper integration site 1; minus strand). Cytogenetic location: 6q23.3.
Variant type: single nucleotide variant.
Coding change: c.2266+120T>C on transcript NM_001134831.2 (MANE Select); 120 bases into the intron after coding-DNA position 2266, T replaced by C.
Molecular consequence: intron variant.
Genome position (GRCh38, 1-based): chr6:135,432,907, A>G on the plus strand (T>C on the coding strand, the complement: AHI1 is on the minus strand). VCF-style: chr6-135432907-A-G. GRCh37 (hg19) VCF-style: chr6-135754045-A-G.
Other names: c.2266+120T>C (NM_001134830.2, NM_001350503.2, NM_017651.5 and 2 more transcripts).
Identifiers: ClinVar variation 676749 (VCV000676749.1), dbSNP rs78942984, ClinGen allele CA148122222.